The following is an entry in ClinVar:

NM_001135998.3(NDUFB11):c.101C>T (p.Ser34Phe)

Gene: NDUFB11 (NADH:ubiquinone oxidoreductase subunit B11; minus strand). Cytogenetic location: Xp11.3.
Variant type: single nucleotide variant.
Coding change: c.101C>T on transcript NM_001135998.3 (MANE Select); coding-DNA position 101, C replaced by T.
Protein change: p.Ser34Phe; replaces serine 34 with phenylalanine.
Molecular consequence: missense variant.
Genome position (GRCh38, 1-based): chrX:47,144,579, G>A on the plus strand (C>T on the coding strand, the complement: NDUFB11 is on the minus strand). VCF-style: chrX-47144579-G-A. GRCh37 (hg19) VCF-style: chrX-47003978-G-A.
Other names: c.101C>T, p.Ser34Phe (NM_019056.7); short protein forms S34F.
Identifiers: ClinVar variation 3360778 (VCV003360778.1).

ClinVar aggregate classification (germline): Uncertain significance (1 of 4 stars; one submission).

gnomAD v4.1: 5 of 1,205,165 alleles (0.00041%); highest among the groups gnomAD compares: South Asian, 0.0071%; no homozygotes.

Submission:

GeneDx
Classification: Uncertain significance. Last evaluated: 2023-07-03. Review status: criteria provided, single submitter. Criteria: GeneDx Variant Classification Process June 2021. Collection method: clinical testing. Allele origin: germline. Affected: yes.
Comment: Not observed at significant frequency in large population cohorts (gnomAD); In silico analysis supports that this missense variant does not alter protein structure/function; Has not been previously published as pathogenic or benign to our knowledge